The following is an entry in ClinVar:

ClinVar aggregate classification (germline): Benign/Likely benign. Review status: criteria provided, multiple submitters, no conflicts (2 of 4 stars). 6 submissions from 6 submitters: Benign (2); Likely benign (4). Last evaluated 2026-07-01.

Conditions:
Inborn genetic diseases. Identifiers: MedGen C0950123, MeSH D030342.
Luscan-Lumish syndrome. Identifiers: Orphanet 597738, MedGen C4085873, MONDO:0014791, OMIM 616831.

Allele frequency attached by ClinVar (database versions not stated): 1000 Genomes Project 30x 0.00016; 1000 Genomes Project 0.00020; gnomAD 0.00045 and 0.00050; TOPMed 0.00049; gnomAD exomes 0.00050; ExAC 0.00075; ESP Exome Variant Server 0.00088.
gnomAD v4.1: 1,318 of 1,566,436 alleles (0.084%); highest among the groups gnomAD compares: Non-Finnish European, 0.1%; 2 homozygotes.

Submissions (6):

Ambry Genetics
Classification: Likely benign for Inborn genetic diseases. Last evaluated: 2026-07-01. Review status: criteria provided, single submitter. Criteria: Ambry Variant Classification Scheme 2023. Collection method: clinical testing. Allele origin: germline.

Labcorp Genetics (formerly Invitae), Labcorp
Classification: Likely benign for Luscan-Lumish syndrome. Last evaluated: 2026-01-24. Review status: criteria provided, single submitter. Criteria: Invitae Variant Classification Sherloc (09022015). Collection method: clinical testing. Allele origin: germline.

CeGaT Center for Human Genetics Tuebingen
Classification: Likely benign. Last evaluated: 2025-12-01. Review status: criteria provided, single submitter. Criteria: CeGaT Center For Human Genetics Tuebingen Variant Classification Criteria Version 2. Collection method: clinical testing. Allele origin: germline. Affected: yes. Observed: 2 variant alleles.
Comment: SETD2: BS1

Blueprint Genetics
Classification: Likely benign. Last evaluated: 2024-09-19. Review status: criteria provided, single submitter. Criteria: ACMG Guidelines, 2015. Collection method: clinical testing. Allele origin: germline.

Genome-Nilou Lab
Classification: Benign for Luscan-Lumish syndrome. Last evaluated: 2022-03-15. Review status: criteria provided, single submitter. Criteria: ACMG Guidelines, 2015. Collection method: clinical testing. Allele origin: germline. Affected: no.

GeneDx
Classification: Benign. Last evaluated: 2020-08-24. Review status: criteria provided, single submitter. Criteria: GeneDx Variant Classification Process June 2021. Collection method: clinical testing. Allele origin: germline. Affected: yes.

NM_014159.7(SETD2):c.1415G>A (p.Arg472His)

Gene: SETD2 (SET domain containing 2, histone lysine methyltransferase; minus strand). Cytogenetic location: 3p21.31.
Variant type: single nucleotide variant.
Coding change: c.1415G>A on transcript NM_014159.7 (MANE Select); coding-DNA position 1415, G replaced by A.
Protein change: p.Arg472His; replaces arginine 472 with histidine.
Molecular consequence: missense variant. On other transcripts: non-coding transcript variant (1).
Genome position (GRCh38, 1-based): chr3:47,123,221, C>T on the plus strand (G>A on the coding strand, the complement: SETD2 is on the minus strand). VCF-style: chr3-47123221-C-T. GRCh37 (hg19) VCF-style: chr3-47164711-C-T.
Other names: c.1283G>A, p.Arg428His (NM_001349370.3); short protein forms R428H, R472H.
Identifiers: ClinVar variation 707707 (VCV000707707.36), dbSNP rs201984344, ClinGen allele CA2363690.
Genomic context (GRCh38, chr3:47,123,221, plus strand): 5'-TCAGATTTAGAATAGGATGATGTCCTTAGGTCTCTGTAAGAAGAGGAATGAGATGAGGTA[C>T]GCCTTGAGTATGTCTTCTTATACTCTTCTTCTGAGTCAGAACTCTCTCGTGCTCTGTTAT-3'
Protein context (NP_054878.5, residues 462-482): EEEYKKTYSR[Arg472His]TSSHSSSYRD